The following is an entry in ClinVar:

NM_001101362.3(KBTBD13):c.272_286dup (p.Arg95_Phe96insSerAlaLeuAlaArg)

Gene: KBTBD13 (kelch repeat and BTB domain containing 13; plus strand). Cytogenetic location: 15q22.31.
Variant type: Duplication.
Coding change: c.272_286dup on transcript NM_001101362.3 (MANE Select); coding-DNA positions 272 to 286, 15 bases duplicated (CGGCGCTGGCTCGCT).
Protein change: p.Arg95_Phe96insSerAlaLeuAlaArg.
Molecular consequence: inframe insertion.
Genome position (GRCh38, 1-based): chr15:65,077,087-65,077,101, CGGCGCTGGCTCGCT duplicated. VCF-style (leftmost placement, unchanged base first): chr15-65077086-C-CCGGCGCTGGCTCGCT. GRCh37 (hg19) VCF-style: chr15-65369424-C-CCGGCGCTGGCTCGCT.
Identifiers: ClinVar variation 2885905 (VCV002885905.3), dbSNP rs1254476457, ClinGen allele CA618956818.

ClinVar aggregate classification (germline): Uncertain significance (1 of 4 stars; one submission).

Conditions:
Nemaline myopathy 6 (NEM6). Also called: Nemaline myopathy 6, autosomal dominant. Identifiers: Orphanet 171439, MedGen C1836472, MONDO:0012237, OMIM 609273.

Allele frequency attached by ClinVar (database versions not stated): gnomAD exomes below 0.00001; gnomAD 0.00003.

Submission:

Labcorp Genetics (formerly Invitae), Labcorp
Classification: Uncertain significance for Nemaline myopathy 6. Last evaluated: 2024-01-11. Review status: criteria provided, single submitter. Criteria: Invitae Variant Classification Sherloc (09022015). Collection method: clinical testing. Allele origin: germline.
Comment: This variant, c.272_286dup, results in the insertion of 5 amino acid(s) of the KBTBD13 protein (p.Arg95_Phe96insSerAlaLeuAlaArg), but otherwise preserves the integrity of the reading frame. This variant is present in population databases (no rsID available, gnomAD 0.01%). This variant has not been reported in the literature in individuals affected with KBTBD13-related conditions. Experimental studies and prediction algorithms are not available or were not evaluated, and the functional significance of this variant is currently unknown. In summary, the available evidence is currently insufficient to determine the role of this variant in disease. Therefore, it has been classified as a Variant of Uncertain Significance.